The following is an entry in ClinVar:

ClinVar aggregate classification (germline): Uncertain significance (1 of 4 stars; one submission).

Conditions:
Familial cancer of breast. Also called: Hereditary breast cancer; BREAST CANCER, FAMILIAL; hereditary breast carcinoma. Identifiers: Orphanet 227535, MedGen C0346153, MONDO:0016419, OMIM 114480. Disease mechanism: loss of function.

Submission:

Labcorp Genetics (formerly Invitae), Labcorp
Classification: Uncertain significance for Familial cancer of breast. Last evaluated: 2023-09-08. Review status: criteria provided, single submitter. Criteria: Invitae Variant Classification Sherloc (09022015). Collection method: clinical testing. Allele origin: germline.
Comment: This sequence change replaces lysine, which is basic and polar, with threonine, which is neutral and polar, at codon 492 of the CHEK2 protein (p.Lys492Thr). This variant is not present in population databases (gnomAD no frequency). This variant has not been reported in the literature in individuals affected with CHEK2-related conditions. An algorithm developed to predict the effect of missense changes on protein structure and function (PolyPhen-2) suggests that this variant is likely to be tolerated. In summary, the available evidence is currently insufficient to determine the role of this variant in disease. Therefore, it has been classified as a Variant of Uncertain Significance.

NM_007194.4(CHEK2):c.1475A>C (p.Lys492Thr)

Gene: CHEK2 (checkpoint kinase 2; minus strand). Cytogenetic location: 22q12.1.
Variant type: single nucleotide variant.
Coding change: c.1475A>C on transcript NM_007194.4 (MANE Select); coding-DNA position 1475, A replaced by C.
Protein change: p.Lys492Thr; replaces lysine 492 with threonine.
Molecular consequence: missense variant.
Genome position (GRCh38, 1-based): chr22:28,689,202, T>G on the plus strand (A>C on the coding strand, the complement: CHEK2 is on the minus strand). VCF-style: chr22-28689202-T-G. GRCh37 (hg19) VCF-style: chr22-29085190-T-G.
Other names: c.1604A>C, p.Lys535Thr (NM_001005735.3); c.812A>C, p.Lys271Thr (NM_001257387.3); c.1274A>C, p.Lys425Thr (NM_001349956.3); c.1388A>C, p.Lys463Thr (NM_145862.3); short protein forms K535T, K271T, K425T, K463T, K492T.
Identifiers: ClinVar variation 2758806 (VCV002758806.3), dbSNP rs2145750566, ClinGen allele CA411092624.